The following is an entry in ClinVar:

ClinVar aggregate classification (germline): Uncertain significance (1 of 4 stars; one submission).

Submission:

Mayo Clinic Laboratories, Mayo Clinic
Classification: Uncertain significance. Last evaluated: 2022-08-30. Review status: criteria provided, single submitter. Criteria: ACMG Guidelines, 2015. Collection method: clinical testing. Allele origin: germline. Observed: 1 variant allele.
Comment: BP3, PM2

NM_003070.5(SMARCA2):c.4560GGAAGA[3] (p.Glu1523_Asp1524insGluGlu)

Gene: SMARCA2 (SWI/SNF related BAF chromatin remodeling complex subunit ATPase 2; plus strand). Cytogenetic location: 9p24.3.
Variant type: Microsatellite.
Coding change: c.4560GGAAGA[3] on transcript NM_003070.5 (MANE Select); three copies in a row of the 6-base unit GGAAGA starting at c.4560; the reference has two copies in a row; one copy, 6 bases duplicated; also written c.4566_4571dup.
Protein change: p.Glu1523_Asp1524insGluGlu.
Molecular consequence: inframe insertion. On other transcripts: inframe indel (3).
Genome position (GRCh38, 1-based): chr9:2,186,200-2,186,205, GGAAGA duplicated; duplicating any 6 consecutive bases within chr9:2,186,192-2,186,205 gives the same sequence; the position shown is the placement nearest the transcript's 3' end. VCF-style (leftmost placement, unchanged base first): chr9-2186191-G-GGAGGAA. GRCh37 (hg19) VCF-style: chr9-2186191-G-GGAGGAA.
Other names: p.Glu1522_Glu1523dup; c.4566_4571dup (NM_003070.5); c.4560_4565GGAAGA[3], p.Glu1523_Asp1524insGluGlu (NM_001289396.2); c.4332GGAAGA[3], p.Glu1447_Asp1448insGluGlu (NM_001289397.2); c.534GGAAGA[3], p.Glu181_Asp182insGluGlu (NM_001289398.2); c.618_623GGAAGA[3], p.Glu209_Asp210insGluGlu (NM_001289399.2); c.624_629GGAAGA[3], p.Glu211_Asp212insGluGlu (NM_001289400.2); c.4506GGAAGA[3], p.Glu1505_Asp1506insGluGlu (NM_139045.4).
Identifiers: ClinVar variation 2683035 (VCV002683035.1), dbSNP rs1373436130, ClinGen allele CA1827963949.